The following is an entry in ClinVar:

NM_004415.4(DSP):c.2519C>T (p.Ser840Phe)

Gene: DSP (desmoplakin; plus strand). Cytogenetic location: 6p24.3.
Variant type: single nucleotide variant.
Coding change: c.2519C>T on transcript NM_004415.4 (MANE Select); coding-DNA position 2519, C replaced by T.
Protein change: p.Ser840Phe; replaces serine 840 with phenylalanine.
Molecular consequence: missense variant.
Genome position (GRCh38, 1-based): chr6:7,575,377, C>T. VCF-style: chr6-7575377-C-T. GRCh37 (hg19) VCF-style: chr6-7575610-C-T.
Other names: c.2519C>T, p.Ser840Phe (NM_001008844.3, NM_001319034.2); short protein forms S840F.
Identifiers: ClinVar variation 2441036 (VCV002441036.4), dbSNP rs1349797680, ClinGen allele CA362681525.
Genomic context (GRCh38, chr6:7,575,377, plus strand): 5'-TGAAGAAGTCGTTGTTGGCCACTATGAAGACAGAACTACAGAAAGCCCAGCAGATCCACT[C>T]TCAGACTTCACAGCAGTATCCACTTTATGATCTGGACTTGGGCAAGTTCGGTGAAAAAGT-3'
Protein context (NP_004406.2, residues 830-850): TELQKAQQIH[Ser840Phe]QTSQQYPLYD

ClinVar aggregate classification (germline): Uncertain significance. Review status: criteria provided, multiple submitters, no conflicts (2 of 4 stars). 2 submissions from 2 submitters: Uncertain significance (2). Last evaluated 2025-08-05.

Allele frequency attached by ClinVar (database versions not stated): TOPMed below 0.00001; gnomAD 0.00001.
gnomAD v4.1: 1 of 1,613,990 alleles (0.000062%); highest among the groups gnomAD compares: Admixed American, 0.0017%; no homozygotes.

Submissions (2):

GeneDx
Classification: Uncertain significance. Last evaluated: 2025-08-05. Review status: criteria provided, single submitter. Criteria: GeneDx Variant Classification Process June 2021. Collection method: clinical testing. Allele origin: germline. Affected: yes.
Comment: Not observed at significant frequency in large population cohorts (gnomAD); In silico analysis supports that this missense variant has a deleterious effect on protein structure/function; Has not been previously published as pathogenic or benign to our knowledge

Revvity Omics, Revvity
Classification: Uncertain significance. Last evaluated: 2020-10-22. Review status: criteria provided, single submitter. Criteria: ACMG Guidelines, 2015. Collection method: clinical testing. Allele origin: germline.